The following is an entry in ClinVar:

ClinVar aggregate classification (germline): Uncertain significance. Review status: criteria provided, multiple submitters, no conflicts (2 of 4 stars). 2 submissions from 2 submitters: Uncertain significance (2). Last evaluated 2025-08-03.

Conditions:
Loeys-Dietz syndrome 2 (LDS2). Also called: TGFBR2-Related Loeys-Dietz Syndrome; Marfan Syndrome type 2; Marfan like connective tissue disorder; MFS 2; Marfan syndrome, type 2 (formerly); AORTIC ANEURYSM, FAMILIAL THORACIC 3. Identifiers: Orphanet 284973, Orphanet 558, MedGen C2674574, MONDO:0012427, OMIM 610168.

Allele frequency attached by ClinVar (database versions not stated): gnomAD exomes below 0.00001 and 0.00002; ExAC 0.00001; gnomAD 0.00001; TOPMed 0.00001.
gnomAD v4.1: 26 of 1,613,926 alleles (0.0016%); highest among the groups gnomAD compares: South Asian, 0.0077%; no homozygotes.

Submissions (2):

Ambry Genetics
Classification: Uncertain significance. Last evaluated: 2025-08-03. Review status: criteria provided, single submitter. Criteria: Ambry Variant Classification Scheme 2023. Collection method: clinical testing. Allele origin: germline.
Comment: The p.S351L variant (also known as c.1052C>T), located in coding exon 4 of the TMPO gene, results from a C to T substitution at nucleotide position 1052. The serine at codon 351 is replaced by leucine, an amino acid with dissimilar properties. This amino acid position is conserved. In addition, this alteration is predicted to be tolerated by in silico analysis. Since supporting evidence is limited at this time, the clinical significance of this alteration remains unclear.

Labcorp Genetics (formerly Invitae), Labcorp
Classification: Uncertain significance for Loeys-Dietz syndrome 2. Last evaluated: 2023-12-19. Review status: criteria provided, single submitter. Criteria: Invitae Variant Classification Sherloc (09022015). Collection method: clinical testing. Allele origin: germline.
Comment: This sequence change replaces serine, which is neutral and polar, with leucine, which is neutral and non-polar, at codon 351 of the TMPO protein (p.Ser351Leu). This variant is present in population databases (rs779303657, gnomAD 0.0009%). This variant has not been reported in the literature in individuals affected with TMPO-related conditions. ClinVar contains an entry for this variant (Variation ID: 860607). Advanced modeling of protein sequence and biophysical properties (such as structural, functional, and spatial information, amino acid conservation, physicochemical variation, residue mobility, and thermodynamic stability) performed at Invitae indicates that this missense variant is not expected to disrupt TMPO protein function with a negative predictive value of 80%. In summary, the available evidence is currently insufficient to determine the role of this variant in disease. Therefore, it has been classified as a Variant of Uncertain Significance.

NM_001032283.3(TMPO):c.565+1471C>T

Gene: TMPO (thymopoietin; plus strand). Cytogenetic location: 12q23.1.
Variant type: single nucleotide variant.
Coding change: c.565+1471C>T on transcript NM_001032283.3 (MANE Select); 1471 bases into the intron after coding-DNA position 565, C replaced by T.
Molecular consequence: intron variant. On other transcripts: missense variant (1).
Genome position (GRCh38, 1-based): chr12:98,533,309, C>T. VCF-style: chr12-98533309-C-T. GRCh37 (hg19) VCF-style: chr12-98927087-C-T.
Other names: c.1052C>T, p.Ser351Leu (NM_003276.2); c.565+1471C>T (NM_001307975.2, NM_001032284.3); short protein forms S351L.
Identifiers: ClinVar variation 860607 (VCV000860607.13), dbSNP rs779303657, ClinGen allele CA6732351.